The following is an entry in ClinVar:

NM_006348.5(COG5):c.2104G>C (p.Val702Leu)

Gene: COG5 (component of oligomeric golgi complex 5; minus strand). Cytogenetic location: 7q22.3.
Variant type: single nucleotide variant.
Coding change: c.2104G>C on transcript NM_006348.5 (MANE Select); coding-DNA position 2104, G replaced by C.
Protein change: p.Val702Leu; replaces valine 702 with leucine.
Molecular consequence: missense variant. On other transcripts: intron variant (1).
Genome position (GRCh38, 1-based): chr7:107,230,679, C>G on the plus strand (G>C on the coding strand, the complement: COG5 is on the minus strand). VCF-style: chr7-107230679-C-G. GRCh37 (hg19) VCF-style: chr7-106871124-C-G.
Other names: c.2104G>C, p.Val702Leu (NM_001161520.2, NM_001379513.1); c.1942G>C, p.Val648Leu (NM_001379511.1); c.1930G>C, p.Val644Leu (NM_001379512.1); c.1534G>C, p.Val512Leu (NM_001379515.1); c.1390G>C, p.Val464Leu (NM_001379516.1); c.2041G>C, p.Val681Leu (NM_181733.4); c.1853+17717G>C (NM_001379514.1); c.2197G>C (NM_006348.3); short protein forms V644L, V464L, V512L, V648L, V681L, V702L.
Identifiers: ClinVar variation 1434593 (VCV001434593.6), dbSNP rs398124222, ClinGen allele CA164681660.

ClinVar aggregate classification (germline): Uncertain significance. Review status: criteria provided, multiple submitters, no conflicts (2 of 4 stars). 2 submissions from 2 submitters: Uncertain significance (2). Last evaluated 2024-06-26.

Conditions:
Inborn genetic diseases. Identifiers: MedGen C0950123, MeSH D030342.
COG5-congenital disorder of glycosylation. Also called: COG5-CDG; CDG IIi; CONGENITAL DISORDER OF GLYCOSYLATION, TYPE IIi. Identifiers: Orphanet 263487, MedGen C3150876, MONDO:0013325, OMIM 613612.

gnomAD v4.1: 14 of 1,609,958 alleles (0.00087%); highest among the groups gnomAD compares: African/African-American, 0.017%; no homozygotes.

Submissions (2):

Ambry Genetics
Classification: Uncertain significance for Inborn genetic diseases. Last evaluated: 2024-06-26. Review status: criteria provided, single submitter. Criteria: Ambry Variant Classification Scheme 2023. Collection method: clinical testing. Allele origin: germline.

Labcorp Genetics (formerly Invitae), Labcorp
Classification: Uncertain significance for COG5-congenital disorder of glycosylation. Last evaluated: 2022-04-09. Review status: criteria provided, single submitter. Criteria: Invitae Variant Classification Sherloc (09022015). Collection method: clinical testing. Allele origin: germline.
Comment: This sequence change replaces valine, which is neutral and non-polar, with leucine, which is neutral and non-polar, at codon 733 of the COG5 protein (p.Val733Leu). This variant is present in population databases (no rsID available, gnomAD 0.02%). This variant has not been reported in the literature in individuals affected with COG5-related conditions. Algorithms developed to predict the effect of missense changes on protein structure and function (SIFT, PolyPhen-2, Align-GVGD) all suggest that this variant is likely to be tolerated. In summary, the available evidence is currently insufficient to determine the role of this variant in disease. Therefore, it has been classified as a Variant of Uncertain Significance.